The following is an entry in ClinVar:

ClinVar aggregate classification (germline): Uncertain significance (1 of 4 stars; one submission).

Allele frequency attached by ClinVar (database versions not stated): gnomAD exomes below 0.00001.
gnomAD v4.1: 2 of 1,614,080 alleles (0.00012%); highest among the groups gnomAD compares: Non-Finnish European, 0.000085%; no homozygotes.

Submission:

Labcorp Genetics (formerly Invitae), Labcorp
Classification: Uncertain significance. Last evaluated: 2022-03-04. Review status: criteria provided, single submitter. Criteria: Invitae Variant Classification Sherloc (09022015). Collection method: clinical testing. Allele origin: germline.
Comment: This sequence change replaces glycine, which is neutral and non-polar, with cysteine, which is neutral and slightly polar, at codon 801 of the TGM1 protein (p.Gly801Cys). This variant is present in population databases (no rsID available, gnomAD 0.0009%). This variant has not been reported in the literature in individuals affected with TGM1-related conditions. Advanced modeling of protein sequence and biophysical properties (such as structural, functional, and spatial information, amino acid conservation, physicochemical variation, residue mobility, and thermodynamic stability) performed at Invitae indicates that this missense variant is not expected to disrupt TGM1 protein function. In summary, the available evidence is currently insufficient to determine the role of this variant in disease. Therefore, it has been classified as a Variant of Uncertain Significance.

NM_000359.3(TGM1):c.2401G>T (p.Gly801Cys)

Gene: TGM1 (transglutaminase 1; minus strand). Cytogenetic location: 14q12.
Variant type: single nucleotide variant.
Coding change: c.2401G>T on transcript NM_000359.3 (MANE Select); coding-DNA position 2401, G replaced by T.
Protein change: p.Gly801Cys; replaces glycine 801 with cysteine.
Molecular consequence: missense variant.
Genome position (GRCh38, 1-based): chr14:24,249,366, C>A on the plus strand (G>T on the coding strand, the complement: TGM1 is on the minus strand). VCF-style: chr14-24249366-C-A. GRCh37 (hg19) VCF-style: chr14-24718572-C-A.
Other names: short protein forms G801C.
Identifiers: ClinVar variation 1441822 (VCV001441822.3), dbSNP rs1486578821, ClinGen allele CA389241290.
Genomic context (GRCh38, chr14:24,249,366, plus strand): 5'-CACGGGGCTAAGCTCCACCTCGAGATGCCATAGGGATGGTCTCTCCTAAGTGACTGTCAC[C>A]TCCAGCGTCTGAGAAGAAGCCCCCATCCCCAGGGGCTGGGGCCACATCCACCTGGATGAC-3'
Protein context (NP_000350.1, residues 791-811): GDGGFFSDAG[Gly801Cys]DSHLGETIPM